The following is an entry in ClinVar:

ClinVar aggregate classification (germline): Uncertain significance. Review status: criteria provided, multiple submitters, no conflicts (2 of 4 stars). 3 submissions from 3 submitters: Uncertain significance (3). Last evaluated 2025-02-02.

Conditions:
RASopathy. Also called: Noonan spectrum disorder; rasopathies. Identifiers: Orphanet 536391, MedGen C5555857, MONDO:0021060.

Submissions (3):

Labcorp Genetics (formerly Invitae), Labcorp
Classification: Uncertain significance for RASopathy. Last evaluated: 2025-02-02. Review status: criteria provided, single submitter. Criteria: Invitae Variant Classification Sherloc (09022015). Collection method: clinical testing. Allele origin: germline.
Comment: This sequence change replaces valine, which is neutral and non-polar, with alanine, which is neutral and non-polar, at codon 431 of the CBL protein (p.Val431Ala). This variant is not present in population databases (gnomAD no frequency). This variant has not been reported in the literature in individuals affected with CBL-related conditions. ClinVar contains an entry for this variant (Variation ID: 3337889). Invitae Evidence Modeling of protein sequence and biophysical properties (such as structural, functional, and spatial information, amino acid conservation, physicochemical variation, residue mobility, and thermodynamic stability) indicates that this missense variant is expected to disrupt CBL protein function with a positive predictive value of 95%. Experimental studies have shown that this missense change affects CBL function (PMID: 22266821). In summary, the available evidence is currently insufficient to determine the role of this variant in disease. Therefore, it has been classified as a Variant of Uncertain Significance.

Clinical Genetics Laboratory, Skane University Hospital Lund
Classification: Uncertain significance. Last evaluated: 2022-05-27. Review status: criteria provided, single submitter. Criteria: ACMG Guidelines, 2015. Collection method: clinical testing. Allele origin: germline. Affected: yes.

Blueprint Genetics
Classification: Uncertain significance. Last evaluated: 2020-11-18. Review status: criteria provided, single submitter. Criteria: ACMG Guidelines, 2015. Collection method: clinical testing. Allele origin: germline.

Literature cited by the submitters: PubMed 22266821 (cited by Labcorp Genetics (formerly Invitae), Labcorp).

NM_005188.4(CBL):c.1292T>C (p.Val431Ala)

Gene: CBL (Cbl proto-oncogene; plus strand). Cytogenetic location: 11q23.3.
Variant type: single nucleotide variant.
Coding change: c.1292T>C on transcript NM_005188.4 (MANE Select); coding-DNA position 1292, T replaced by C.
Protein change: p.Val431Ala; replaces valine 431 with alanine.
Molecular consequence: missense variant.
Genome position (GRCh38, 1-based): chr11:119,278,574, T>C. VCF-style: chr11-119278574-T-C. GRCh37 (hg19) VCF-style: chr11-119149284-T-C.
Other names: short protein forms V431A.
Identifiers: ClinVar variation 3337889 (VCV003337889.3).
Genomic context (GRCh38, chr11:119,278,574, plus strand): 5'-CAGAAGGTCAGGGCTGTCCTTTCTGCCGATGTGAAATTAAAGGTACTGAACCCATCGTGG[T>C]AGATCCGTTTGATCCTAGAGGGAGTGGCAGCCTGTTGAGGCAAGGAGCAGAGGGAGCTCC-3'
Protein context (NP_005179.2, residues 421-441): CEIKGTEPIV[Val431Ala]DPFDPRGSGS